The following is an entry in ClinVar:

ClinVar aggregate classification (germline): Pathogenic (1 of 4 stars; one submission).

Allele frequency attached by ClinVar (database versions not stated): TOPMed below 0.00001; gnomAD 0.00001; gnomAD exomes 0.00001.
gnomAD v4.1: 22 of 1,613,734 alleles (0.0014%); highest among the groups gnomAD compares: Non-Finnish European, 0.0019%; no homozygotes.

Submission:

Labcorp Genetics (formerly Invitae), Labcorp
Classification: Pathogenic. Last evaluated: 2024-01-05. Review status: criteria provided, single submitter. Criteria: Invitae Variant Classification Sherloc (09022015). Collection method: clinical testing. Allele origin: germline.
Comment: This sequence change creates a premature translational stop signal (p.Tyr1965*) in the TG gene. It is expected to result in an absent or disrupted protein product. Loss-of-function variants in TG are known to be pathogenic (PMID: 19837936, 23164529). This variant is not present in population databases (gnomAD no frequency). This variant has not been reported in the literature in individuals affected with TG-related conditions. ClinVar contains an entry for this variant (Variation ID: 632021). For these reasons, this variant has been classified as Pathogenic.

Literature cited by the submitters: PubMed 19837936; PubMed 23164529.

NM_003235.5(TG):c.5895C>A (p.Tyr1965Ter)

Gene: TG (thyroglobulin; plus strand). Cytogenetic location: 8q24.22.
Variant type: single nucleotide variant.
Coding change: c.5895C>A on transcript NM_003235.5 (MANE Select); coding-DNA position 5895, C replaced by A.
Protein change: p.Tyr1965Ter; replaces tyrosine 1965 with a stop codon.
Molecular consequence: nonsense.
Genome position (GRCh38, 1-based): chr8:132,969,489, C>A. VCF-style: chr8-132969489-C-A. GRCh37 (hg19) VCF-style: chr8-133981734-C-A.
Other names: short protein forms Y1965*.
Identifiers: ClinVar variation 632021 (VCV000632021.7), dbSNP rs1255388549, ClinGen allele CA372235129.